The following is an entry in ClinVar:

NM_004341.5(CAD):c.3727A>G (p.Met1243Val)

Gene: CAD (carbamoyl-phosphate synthetase 2, aspartate transcarbamylase, and dihydroorotase; plus strand). Cytogenetic location: 2p23.3.
Variant type: single nucleotide variant.
Coding change: c.3727A>G on transcript NM_004341.5 (MANE Select); coding-DNA position 3727, A replaced by G.
Protein change: p.Met1243Val; replaces methionine 1243 with valine.
Molecular consequence: missense variant.
Genome position (GRCh38, 1-based): chr2:27,234,626, A>G. VCF-style: chr2-27234626-A-G. GRCh37 (hg19) VCF-style: chr2-27457494-A-G.
Other names: c.3538A>G, p.Met1180Val (NM_001306079.2); short protein forms M1180V, M1243V.
Identifiers: ClinVar variation 1362767 (VCV001362767.3), dbSNP rs767776598, ClinGen allele CA1573346.

ClinVar aggregate classification (germline): Uncertain significance (1 of 4 stars; one submission).

Allele frequency attached by ClinVar (database versions not stated): ExAC 0.00001; gnomAD exomes 0.00001 and 0.00002.

Submission:

Labcorp Genetics (formerly Invitae), Labcorp
Classification: Uncertain significance. Last evaluated: 2022-07-26. Review status: criteria provided, single submitter. Criteria: Invitae Variant Classification Sherloc (09022015). Collection method: clinical testing. Allele origin: germline.
Comment: This sequence change replaces methionine, which is neutral and non-polar, with valine, which is neutral and non-polar, at codon 1243 of the CAD protein (p.Met1243Val). This variant is present in population databases (rs767776598, gnomAD 0.01%). This variant has not been reported in the literature in individuals affected with CAD-related conditions. ClinVar contains an entry for this variant (Variation ID: 1362767). Algorithms developed to predict the effect of missense changes on protein structure and function (SIFT, PolyPhen-2, Align-GVGD) all suggest that this variant is likely to be tolerated. In summary, the available evidence is currently insufficient to determine the role of this variant in disease. Therefore, it has been classified as a Variant of Uncertain Significance.